The following is an entry in ClinVar:

NM_015047.3(EMC1):c.22C>T (p.Arg8Cys)

Gene: EMC1 (ER membrane protein complex subunit 1; minus strand). Cytogenetic location: 1p36.13.
Variant type: single nucleotide variant.
Coding change: c.22C>T on transcript NM_015047.3 (MANE Select); coding-DNA position 22, C replaced by T.
Protein change: p.Arg8Cys; replaces arginine 8 with cysteine.
Molecular consequence: missense variant.
Genome position (GRCh38, 1-based): chr1:19,251,488, G>A on the plus strand (C>T on the coding strand, the complement: EMC1 is on the minus strand). VCF-style: chr1-19251488-G-A. GRCh37 (hg19) VCF-style: chr1-19577982-G-A.
Other names: c.22C>T (NM_015047.1); c.22C>T, p.Arg8Cys (NM_001271427.2, NM_001271428.2, NM_001271429.2 and 2 more transcripts); short protein forms R8C.
Identifiers: ClinVar variation 955665 (VCV000955665.9), dbSNP rs759788442, ClinGen allele CA653076.

ClinVar aggregate classification (germline): Uncertain significance. Review status: criteria provided, multiple submitters, no conflicts (2 of 4 stars). 3 submissions from 3 submitters: Uncertain significance (3). Last evaluated 2025-04-11.

Conditions:
Inborn genetic diseases. Identifiers: MedGen C0950123, MeSH D030342.

Allele frequency attached by ClinVar (database versions not stated): TOPMed below 0.00001; ExAC 0.00008.
gnomAD v4.1: 49 of 1,614,008 alleles (0.003%); highest among the groups gnomAD compares: South Asian, 0.052%; no homozygotes.

Submissions (3):

Ambry Genetics
Classification: Uncertain significance for Inborn genetic diseases. Last evaluated: 2025-04-11. Review status: criteria provided, single submitter. Criteria: Ambry Variant Classification Scheme 2023. Collection method: clinical testing. Allele origin: germline.

Labcorp Genetics (formerly Invitae), Labcorp
Classification: Uncertain significance. Last evaluated: 2024-12-16. Review status: criteria provided, single submitter. Criteria: Invitae Variant Classification Sherloc (09022015). Collection method: clinical testing. Allele origin: germline.
Comment: This sequence change replaces arginine, which is basic and polar, with cysteine, which is neutral and slightly polar, at codon 8 of the EMC1 protein (p.Arg8Cys). This variant is present in population databases (rs759788442, gnomAD 0.06%). This variant has not been reported in the literature in individuals affected with EMC1-related conditions. ClinVar contains an entry for this variant (Variation ID: 955665). An algorithm developed to predict the effect of missense changes on protein structure and function (PolyPhen-2) suggests that this variant is likely to be tolerated. In summary, the available evidence is currently insufficient to determine the role of this variant in disease. Therefore, it has been classified as a Variant of Uncertain Significance.

Blueprint Genetics
Classification: Uncertain significance. Last evaluated: 2020-12-10. Review status: criteria provided, single submitter. Criteria: ACMG Guidelines, 2015. Collection method: clinical testing. Allele origin: germline.